The following is an entry in ClinVar:

NM_182961.4(SYNE1):c.1291G>A (p.Val431Ile)

Gene: SYNE1 (spectrin repeat containing nuclear envelope protein 1; minus strand). Cytogenetic location: 6q25.2.
Variant type: single nucleotide variant.
Coding change: c.1291G>A on transcript NM_182961.4 (MANE Select); coding-DNA position 1291, G replaced by A.
Protein change: p.Val431Ile; replaces valine 431 with isoleucine.
Molecular consequence: missense variant.
Genome position (GRCh38, 1-based): chr6:152,483,144, C>T on the plus strand (G>A on the coding strand, the complement: SYNE1 is on the minus strand). VCF-style: chr6-152483144-C-T. GRCh37 (hg19) VCF-style: chr6-152804279-C-T.
Other names: c.1312G>A, p.Val438Ile (NM_033071.5); c.1291G>A (NM_182961.2); short protein forms V438I, V431I.
Identifiers: ClinVar variation 2160055 (VCV002160055.6), dbSNP rs761198236, ClinGen allele CA4059467.

ClinVar aggregate classification (germline): Uncertain significance. Review status: criteria provided, multiple submitters, no conflicts (2 of 4 stars). 3 submissions from 3 submitters: Uncertain significance (3). Last evaluated 2024-09-06.

Conditions:
Autosomal recessive ataxia, Beauce type. Also called: SYNE1-Related Autosomal Recessive Cerebellar Ataxia; Spinocerebellar ataxia, autosomal recessive 8; ATAXIA, RECESSIVE, OF BEAUCE; SYNE1 Deficiency. Identifiers: Orphanet 88644, MedGen C1853116, MONDO:0012549, OMIM 610743.
Emery-Dreifuss muscular dystrophy 4, autosomal dominant (EDMD4). Also called: EMERY-DREIFUSS MUSCULAR DYSTROPHY 4 WITH VARIABLE FEATURES. Identifiers: Orphanet 261, MedGen C2751807, MONDO:0013071, OMIM 612998.

gnomAD v4.1: 36 of 1,614,074 alleles (0.0022%); highest among the groups gnomAD compares: East Asian, 0.0067%; no homozygotes.

Submissions (3):

Revvity Omics, Revvity
Classification: Uncertain significance. Last evaluated: 2024-09-06. Review status: criteria provided, single submitter. Criteria: ACMG Guidelines, 2015. Collection method: clinical testing. Allele origin: germline.

Athena Diagnostics
Classification: Uncertain significance. Last evaluated: 2023-12-29. Review status: criteria provided, single submitter. Criteria: Athena Diagnostics Criteria. Collection method: clinical testing. Allele origin: unknown.
Comment: Available data are insufficient to determine the clinical significance of the variant at this time. The frequency of this variant in the general population is uninformative in assessment of its pathogenicity. Computational tools predict that this variant is not damaging.

Labcorp Genetics (formerly Invitae), Labcorp
Classification: Uncertain significance for Emery-Dreifuss muscular dystrophy 4, autosomal dominant; Autosomal recessive ataxia, Beauce type. Last evaluated: 2022-06-28. Review status: criteria provided, single submitter. Criteria: Invitae Variant Classification Sherloc (09022015). Collection method: clinical testing. Allele origin: germline.
Comment: In summary, the available evidence is currently insufficient to determine the role of this variant in disease. Therefore, it has been classified as a Variant of Uncertain Significance. Algorithms developed to predict the effect of missense changes on protein structure and function output the following: SIFT: "Tolerated"; PolyPhen-2: "Benign"; Align-GVGD: "Class C0". The isoleucine amino acid residue is found in multiple mammalian species, which suggests that this missense change does not adversely affect protein function. This variant has not been reported in the literature in individuals affected with SYNE1-related conditions. This variant is present in population databases (rs761198236, gnomAD 0.01%). This sequence change replaces valine, which is neutral and non-polar, with isoleucine, which is neutral and non-polar, at codon 438 of the SYNE1 protein (p.Val438Ile).